The following is an entry in ClinVar:

NM_198253.3(TERT):c.722G>C (p.Gly241Ala)

Gene: TERT (telomerase reverse transcriptase; minus strand). Cytogenetic location: 5p15.33.
Variant type: single nucleotide variant.
Coding change: c.722G>C on transcript NM_198253.3 (MANE Select); coding-DNA position 722, G replaced by C.
Protein change: p.Gly241Ala; replaces glycine 241 with alanine.
Molecular consequence: missense variant. On other transcripts: non-coding transcript variant (2).
Genome position (GRCh38, 1-based): chr5:1,294,164, C>G on the plus strand (G>C on the coding strand, the complement: TERT is on the minus strand). VCF-style: chr5-1294164-C-G. GRCh37 (hg19) VCF-style: chr5-1294279-C-G.
Other names: c.722G>C, p.Gly241Ala (NM_001193376.3); short protein forms G241A.
Identifiers: ClinVar variation 4865484 (VCV004865484.1).

ClinVar aggregate classification (germline): Uncertain significance (1 of 4 stars; one submission).

Conditions:
Dyskeratosis congenita. Identifiers: Orphanet 1775, MedGen C0265965, MONDO:0015780.

Submission:

Ambry Genetics
Classification: Uncertain significance for Dyskeratosis congenita. Last evaluated: 2026-05-24. Review status: criteria provided, single submitter. Criteria: Ambry Variant Classification Scheme 2023. Collection method: clinical testing. Allele origin: germline.
Comment: The p.G241A variant (also known as c.722G>C), located in coding exon 2 of the TERT gene, results from a G to C substitution at nucleotide position 722. The glycine at codon 241 is replaced by alanine, an amino acid with similar properties. This amino acid position is conserved. In addition, this alteration is predicted to be tolerated by in silico analysis. Based on the available evidence, the clinical significance of this variant remains unclear.